The following is an entry in ClinVar:

NM_173648.4(CCDC141):c.2341G>A (p.Asp781Asn)

Gene: CCDC141 (coiled-coil domain containing 141; minus strand). Cytogenetic location: 2q31.2.
Variant type: single nucleotide variant.
Coding change: c.2341G>A on transcript NM_173648.4 (MANE Select); coding-DNA position 2341, G replaced by A.
Protein change: p.Asp781Asn; replaces aspartic acid 781 with asparagine.
Molecular consequence: missense variant.
Genome position (GRCh38, 1-based): chr2:178,869,170, C>T on the plus strand (G>A on the coding strand, the complement: CCDC141 is on the minus strand). VCF-style: chr2-178869170-C-T. GRCh37 (hg19) VCF-style: chr2-179733897-C-T.
Other names: short protein forms D781N.
Identifiers: ClinVar variation 1365849 (VCV001365849.7), dbSNP rs757068281, ClinGen allele CA2007057.
Genomic context (GRCh38, chr2:178,869,170, plus strand): 5'-GCCTTACCTCTTCCTTGACTTGATGGAACTGGACCACCTTGTACAGGATATCCTCGTAAT[C>T]CTGGATTCTCTCTTTCTGTTTTTGATGGAAGTGAATAAGGTCCTTCAGTTGTTGAGACTT-3'
Protein context (NP_775919.3, residues 771-791): FHQKQKERIQ[Asp781Asn]YEDILYKVVQ

ClinVar aggregate classification (germline): Uncertain significance. Review status: criteria provided, multiple submitters, no conflicts (2 of 4 stars). 2 submissions from 2 submitters: Uncertain significance (2). Last evaluated 2025-10-09.

Allele frequency attached by ClinVar (database versions not stated): gnomAD exomes 0.00001; TOPMed 0.00001; ExAC 0.00002; gnomAD 0.00003 and 0.00005.
gnomAD v4.1: 33 of 1,613,292 alleles (0.002%); highest among the groups gnomAD compares: East Asian, 0.013%; no homozygotes.

Submissions (2):

Women's Health and Genetics/Laboratory Corporation of America, LabCorp
Classification: Uncertain significance. Last evaluated: 2025-10-09. Review status: criteria provided, single submitter. Criteria: LabCorp Variant Classification Summary - May 2015. Collection method: clinical testing. Allele origin: germline.
Comment: Variant summary: CCDC141 c.2341G>A (p.Asp781Asn) results in a conservative amino acid change in the encoded protein sequence. Algorithms developed to predict the effect of missense changes on protein structure and function all suggest that this variant is likely to be tolerated. The variant allele was found at a frequency of 8e-06 in 250454 control chromosomes. The available data on variant occurrences in the general population are insufficient to allow any conclusion about variant significance. To our knowledge, no occurrence of c.2341G>A in individuals affected with CCDC141-related conditions and no experimental evidence demonstrating its impact on protein function have been reported. ClinVar contains an entry for this variant (Variation ID: 1365849). Based on the evidence outlined above, the variant was classified as uncertain significance.

Labcorp Genetics (formerly Invitae), Labcorp
Classification: Uncertain significance. Last evaluated: 2021-12-02. Review status: criteria provided, single submitter. Criteria: Invitae Variant Classification Sherloc (09022015). Collection method: clinical testing. Allele origin: germline.
Comment: This sequence change replaces aspartic acid, which is acidic and polar, with asparagine, which is neutral and polar, at codon 781 of the CCDC141 protein (p.Asp781Asn). This variant is present in population databases (rs757068281, gnomAD 0.01%). In summary, the available evidence is currently insufficient to determine the role of this variant in disease. Therefore, it has been classified as a Variant of Uncertain Significance. Algorithms developed to predict the effect of missense changes on protein structure and function output the following: SIFT: "Deleterious"; PolyPhen-2: "Benign"; Align-GVGD: "Class C0". The asparagine amino acid residue is found in multiple mammalian species, which suggests that this missense change does not adversely affect protein function. This variant has not been reported in the literature in individuals affected with CCDC141-related conditions.